The following is an entry in ClinVar:

ClinVar aggregate classification (germline): Uncertain significance (1 of 4 stars; one submission).

gnomAD v4.1: 1 of 1,611,858 alleles (0.000062%); no homozygotes.

Submission:

GeneDx
Classification: Uncertain significance. Last evaluated: 2024-02-21. Review status: criteria provided, single submitter. Criteria: GeneDx Variant Classification Process June 2021. Collection method: clinical testing. Allele origin: germline. Affected: yes.
Comment: Not observed at significant frequency in large population cohorts (gnomAD); In silico analysis supports that this missense variant has a deleterious effect on protein structure/function; Has not been previously published as pathogenic or benign to our knowledge

NM_015488.5(PNKD):c.862T>A (p.Trp288Arg)

Genes: CATIP-AS2 (CATIP antisense RNA 2; minus strand), PNKD (PNKD metallo-beta-lactamase domain containing; plus strand). Cytogenetic location: 2q35.
Variant type: single nucleotide variant.
Coding change: c.862T>A on transcript NM_015488.5 (MANE Select); coding-DNA position 862, T replaced by A.
Protein change: p.Trp288Arg; replaces tryptophan 288 with arginine.
Molecular consequence: missense variant.
Genome position (GRCh38, 1-based): chr2:218,343,580, T>A. VCF-style: chr2-218343580-T-A. GRCh37 (hg19) VCF-style: chr2-219208303-T-A.
Other names: c.790T>A, p.Trp264Arg (NM_022572.5); short protein forms W264R, W288R.
Identifiers: ClinVar variation 3369626 (VCV003369626.1).